The following is an entry in ClinVar:

ClinVar aggregate classification (germline): Likely benign. Review status: criteria provided, multiple submitters, no conflicts (2 of 4 stars). 2 submissions from 2 submitters: Likely benign (2). Last evaluated 2018-06-14.

Allele frequency attached by ClinVar (database versions not stated): 1000 Genomes Project 30x 0.02811; gnomAD exomes 0.02819 and 0.03663; 1000 Genomes Project 0.02835; ExAC 0.02871; TOPMed 0.03509; gnomAD 0.03745 and 0.03861.
gnomAD v4.1: 57,564 of 1,573,252 alleles (3.7%); highest among the groups gnomAD compares: African/African-American, 4.3%; 1,236 homozygotes.

Submissions (2):

GeneDx
Classification: Likely benign. Last evaluated: 2018-06-14. Review status: criteria provided, single submitter. Criteria: GeneDx Variant Classification (06012015). Collection method: clinical testing. Allele origin: germline. Affected: yes.
Comment: This variant is considered likely benign or benign based on one or more of the following criteria: it is a conservative change, it occurs at a poorly conserved position in the protein, it is predicted to be benign by multiple in silico algorithms, and/or has population frequency not consistent with disease.

Breakthrough Genomics
Classification: Likely benign. Review status: criteria provided, single submitter. Criteria: ACMG Guidelines, 2015. Collection method: not provided. Allele origin: germline. Inheritance: Autosomal recessive inheritance. Affected: yes.

NM_014384.3(ACAD8):c.491-36T>C

Gene: ACAD8 (acyl-CoA dehydrogenase family member 8; plus strand). Cytogenetic location: 11q25.
Variant type: single nucleotide variant.
Coding change: c.491-36T>C on transcript NM_014384.3 (MANE Select); 36 bases into the intron before coding-DNA position 491, T replaced by C.
Molecular consequence: intron variant.
Genome position (GRCh38, 1-based): chr11:134,258,972, T>C. VCF-style: chr11-134258972-T-C. GRCh37 (hg19) VCF-style: chr11-134128866-T-C.
Identifiers: ClinVar variation 673124 (VCV000673124.2), dbSNP rs12801902, ClinGen allele CA6372962.